The following is an entry in ClinVar:

NM_144691.4(CAPN12):c.1879-3C>T

Gene: CAPN12 (calpain 12; minus strand). Cytogenetic location: 19q13.2.
Variant type: single nucleotide variant.
Coding change: c.1879-3C>T on transcript NM_144691.4 (MANE Select); 3 bases into the intron before coding-DNA position 1879, C replaced by T.
Molecular consequence: intron variant.
Genome position (GRCh38, 1-based): chr19:38,733,784, G>A on the plus strand (C>T on the coding strand, the complement: CAPN12 is on the minus strand). VCF-style: chr19-38733784-G-A. GRCh37 (hg19) VCF-style: chr19-39224424-G-A.
Other names: NC_000019.9:g.39224424G>A.
Identifiers: ClinVar variation 3043447 (VCV003043447.3), dbSNP rs756930163, ClinGen allele CA9418365.

ClinVar aggregate classification (germline): Likely benign (0 of 4 stars; one submission).

Conditions:
CAPN12-related disorder. Also called: CAPN12-related condition.

Allele frequency attached by ClinVar (database versions not stated): ExAC 0.00007; gnomAD 0.00007; TOPMed 0.00009; gnomAD exomes 0.00011.
gnomAD v4.1: 173 of 1,612,412 alleles (0.011%); highest among the groups gnomAD compares: Middle Eastern, 0.017%; no homozygotes.

Submissions (2):

PreventionGenetics, part of Exact Sciences
Classification: Likely benign for CAPN12-related condition. Last evaluated: 2019-06-27. Review status: no assertion criteria provided. Collection method: clinical testing. Allele origin: germline.
Comment: This variant is classified as likely benign based on ACMG/AMP sequence variant interpretation guidelines (Richards et al. 2015 PMID: 25741868, with internal and published modifications).

Dr. Peter K. Rogan Lab, Western University
No classification provided (evidence only). Condition: Gastric cancer. Review status: no classification provided. Collection method: in vitro. Allele origin: not applicable. Functional consequence: retained intron. Not counted in ClinVar's aggregate classification.